The following is an entry in ClinVar:

NM_031229.4(RBCK1):c.845G>A (p.Cys282Tyr)

Gene: RBCK1 (RANBP2-type and C3HC4-type zinc finger containing 1; plus strand). Cytogenetic location: 20p13.
Variant type: single nucleotide variant.
Coding change: c.845G>A on transcript NM_031229.4 (MANE Select); coding-DNA position 845, G replaced by A.
Protein change: p.Cys282Tyr; replaces cysteine 282 with tyrosine.
Molecular consequence: missense variant. On other transcripts: non-coding transcript variant (1), intron variant (2).
Genome position (GRCh38, 1-based): chr20:420,959, G>A. VCF-style: chr20-420959-G-A. GRCh37 (hg19) VCF-style: chr20-401603-G-A.
Other names: c.408-1168G>A (NM_001323956.2, NM_001323958.2); c.719G>A, p.Cys240Tyr (NM_006462.6); short protein forms C240Y, C282Y.
Identifiers: ClinVar variation 642206 (VCV000642206.7), dbSNP rs1600298063, ClinGen allele CA407928180.
Genomic context (GRCh38, chr20:420,959, plus strand): 5'-ACCTGCAGCACGTCCAGCTGGACCAGAGGAGCCTGGTGCTGAACACGGAGCCCGCCGAGT[G>A]CCCCGTGTGCTACTCGGTGCTGGCGCCCGGCGAGGCCGTGGTGCTGCGTGAGTGTCTGCA-3'
Protein context (NP_112506.2, residues 272-292): SLVLNTEPAE[Cys282Tyr]PVCYSVLAPG

ClinVar aggregate classification (germline): Uncertain significance (1 of 4 stars; one submission).

Conditions:
Polyglucosan body myopathy type 1 (PGBM1). Also called: POLYGLUCOSAN BODY MYOPATHY WITHOUT IMMUNODEFICIENCY; Polyglucosan body myopathy 1 with or without immunodeficiency. Identifiers: Orphanet 329173, Orphanet 397937, MedGen C4014605, MONDO:0014389, OMIM 615895.

Submission:

Labcorp Genetics (formerly Invitae), Labcorp
Classification: Uncertain significance for Polyglucosan body myopathy type 1. Last evaluated: 2018-08-01. Review status: criteria provided, single submitter. Criteria: Invitae Variant Classification Sherloc (09022015). Collection method: clinical testing. Allele origin: germline.
Comment: This variant is not present in population databases (ExAC no frequency). In summary, the available evidence is currently insufficient to determine the role of this variant in disease. Therefore, it has been classified as a Variant of Uncertain Significance. Algorithms developed to predict the effect of missense changes on protein structure and function (SIFT, PolyPhen-2, Align-GVGD) all suggest that this variant is likely to be disruptive, but these predictions have not been confirmed by published functional studies and their clinical significance is uncertain. This variant has not been reported in the literature in individuals with RBCK1-related disease. This sequence change replaces cysteine with tyrosine at codon 282 of the RBCK1 protein (p.Cys282Tyr). The cysteine residue is highly conserved and there is a large physicochemical difference between cysteine and tyrosine.